The following is an entry in ClinVar:

ClinVar aggregate classification (germline): Pathogenic (1 of 4 stars; one submission).

Conditions:
Hepatic methionine adenosyltransferase deficiency. Also called: MAT I/III DEFICIENCY; Isolated Persistent Hypermethioninemia; Deficiency of methionine adenosyltransferase; Methionine adenosyltransferase deficiency. Identifiers: Orphanet 168598, MedGen C0268621, MeSH C564683, MONDO:0009607, OMIM 250850.

Allele frequency attached by ClinVar (database versions not stated): TOPMed 0.00002.

Submission:

Labcorp Genetics (formerly Invitae), Labcorp
Classification: Pathogenic for Hepatic methionine adenosyltransferase deficiency. Last evaluated: 2025-06-18. Review status: criteria provided, single submitter. Criteria: Invitae Variant Classification Sherloc (09022015). Collection method: clinical testing. Allele origin: germline.
Comment: This sequence change replaces aspartic acid, which is acidic and polar, with valine, which is neutral and non-polar, at codon 258 of the MAT1A protein (p.Asp258Val). This variant is not present in population databases (gnomAD no frequency). This missense change has been observed in individual(s) with hypermethioninemia (internal data). ClinVar contains an entry for this variant (Variation ID: 578314). Invitae Evidence Modeling of protein sequence and biophysical properties (such as structural, functional, and spatial information, amino acid conservation, physicochemical variation, residue mobility, and thermodynamic stability) indicates that this missense variant is expected to disrupt MAT1A protein function with a positive predictive value of 80%. This variant disrupts the p.Asp258 amino acid residue in MAT1A. Other variant(s) that disrupt this residue have been observed in individuals with MAT1A-related conditions (PMID: 20675163; internal data), which suggests that this may be a clinically significant amino acid residue. For these reasons, this variant has been classified as Pathogenic.

Literature cited by the submitters: PubMed 20675163.

NM_000429.3(MAT1A):c.773A>T (p.Asp258Val)

Gene: MAT1A (methionine adenosyltransferase 1A; minus strand). Cytogenetic location: 10q22.3.
Variant type: single nucleotide variant.
Coding change: c.773A>T on transcript NM_000429.3 (MANE Select); coding-DNA position 773, A replaced by T.
Protein change: p.Asp258Val; replaces aspartic acid 258 with valine.
Molecular consequence: missense variant.
Genome position (GRCh38, 1-based): chr10:80,275,195, T>A on the plus strand (A>T on the coding strand, the complement: MAT1A is on the minus strand). VCF-style: chr10-80275195-T-A. GRCh37 (hg19) VCF-style: chr10-82034951-T-A.
Other names: short protein forms D258V.
Identifiers: ClinVar variation 578314 (VCV000578314.11), dbSNP rs1241692940, ClinGen allele CA377360973.